The following is an entry in ClinVar:

NM_031935.3(HMCN1):c.4235A>G (p.Asn1412Ser)

Gene: HMCN1 (hemicentin 1; plus strand). Cytogenetic location: 1q31.1.
Variant type: single nucleotide variant.
Coding change: c.4235A>G on transcript NM_031935.3 (MANE Select); coding-DNA position 4235, A replaced by G.
Protein change: p.Asn1412Ser; replaces asparagine 1412 with serine.
Molecular consequence: missense variant.
Genome position (GRCh38, 1-based): chr1:186,001,628, A>G. VCF-style: chr1-186001628-A-G. GRCh37 (hg19) VCF-style: chr1-185970760-A-G.
Other names: short protein forms N1412S.
Identifiers: ClinVar variation 1970736 (VCV001970736.5), dbSNP rs1477000164, ClinGen allele CA343877362.

ClinVar aggregate classification (germline): Uncertain significance (1 of 4 stars; one submission).

Allele frequency attached by ClinVar (database versions not stated): gnomAD exomes 0.00001.
gnomAD v4.1: 8 of 1,613,128 alleles (0.0005%); highest among the groups gnomAD compares: Admixed American, 0.0017%; no homozygotes.

Submission:

Labcorp Genetics (formerly Invitae), Labcorp
Classification: Uncertain significance. Last evaluated: 2025-11-28. Review status: criteria provided, single submitter. Criteria: Invitae Variant Classification Sherloc (09022015). Collection method: clinical testing. Allele origin: germline.
Comment: This sequence change replaces asparagine, which is neutral and polar, with serine, which is neutral and polar, at codon 1412 of the HMCN1 protein (p.Asn1412Ser). This variant is present in population databases (no rsID available, gnomAD 0.0009%). This variant has not been reported in the literature in individuals affected with HMCN1-related conditions. ClinVar contains an entry for this variant (Variation ID: 1970736). An algorithm developed to predict the effect of missense changes on protein structure and function outputs the following: PolyPhen-2: "Benign". The serine amino acid residue is found in multiple mammalian species, which suggests that this missense change does not adversely affect protein function. In summary, the available evidence is currently insufficient to determine the role of this variant in disease. Therefore, it has been classified as a Variant of Uncertain Significance.